The following is an entry in ClinVar:

NM_002437.5(MPV17):c.449C>T (p.Pro150Leu)

Gene: MPV17 (mitochondrial inner membrane protein MPV17; minus strand). Cytogenetic location: 2p23.3.
Variant type: single nucleotide variant.
Coding change: c.449C>T on transcript NM_002437.5 (MANE Select); coding-DNA position 449, C replaced by T.
Protein change: p.Pro150Leu; replaces proline 150 with leucine.
Molecular consequence: missense variant.
Genome position (GRCh38, 1-based): chr2:27,311,911, G>A on the plus strand (C>T on the coding strand, the complement: MPV17 is on the minus strand). VCF-style: chr2-27311911-G-A. GRCh37 (hg19) VCF-style: chr2-27534779-G-A.
Other names: short protein forms P150L.
Identifiers: ClinVar variation 4999082 (VCV004999082.1).
Genomic context (GRCh38, chr2:27,311,911, plus strand): 5'-TTGGTAACGTGGGTCTTCCTTGATGGGTGGGGTAGGGGTGCAACATACCTGTAATGAAGG[G>A]GGACCAGGTAGAAGTTGGCTAACTGCACAGCAGGCCATAGCTGCAAGAGAAAATGTAAAG-3'
Protein context (NP_002428.1, residues 140-160): AVQLANFYLV[Pro150Leu]LHYRLAVVQC

ClinVar aggregate classification (germline): Uncertain significance (1 of 4 stars; one submission).

Conditions:
MPV17-related disorder. Also called: MPV17-related disorders; MPV17-related condition. Identifiers: MedGen CN239328.

Submission:

PreventionGenetics, part of Exact Sciences
Classification: Uncertain significance for MPV17-related condition. Last evaluated: 2025-01-14. Review status: criteria provided, single submitter. Criteria: ACMG Guidelines, 2015. Collection method: clinical testing. Allele origin: germline.
Comment: The MPV17 c.449C>T variant is predicted to result in the amino acid substitution p.Pro150Leu. To our knowledge, this variant has not been reported in the literature or in a large population database (gnomAD), indicating this variant is rare. At this time, the clinical significance of this variant is uncertain due to the absence of conclusive functional and genetic evidence.